The following is an entry in ClinVar:

NM_000079.4(CHRNA1):c.516C>T (p.Asp172=)

Gene: CHRNA1 (cholinergic receptor nicotinic alpha 1 subunit; minus strand). Cytogenetic location: 2q31.1.
Variant type: single nucleotide variant.
Coding change: c.516C>T on transcript NM_000079.4 (MANE Select); coding-DNA position 516, C replaced by T.
Protein change: p.Asp172=; no amino-acid change (aspartic acid 172 retained).
Molecular consequence: synonymous variant.
Genome position (GRCh38, 1-based): chr2:174,754,243, G>A on the plus strand (C>T on the coding strand, the complement: CHRNA1 is on the minus strand). VCF-style: chr2-174754243-G-A. GRCh37 (hg19) VCF-style: chr2-175618971-G-A.
Other names: c.591C>T, p.Asp197= (NM_001039523.3).
Identifiers: ClinVar variation 2068156 (VCV002068156.28), dbSNP rs777255132, ClinGen allele CA1974538.
Genomic context (GRCh38, chr2:174,754,243, plus strand): 5'-CTGAAACCACCCTTATCATATGTGGCCACCACCTACCGGGTTGATGGCCACGACAGAGCC[G>A]TCGTAGGTCCAGGTGCCCAGCTTCATGCTGCAGTTCTGTTCATCAAAGGGAAAGTGGGTG-3'
Protein context (NP_000070.1, residues 162-182): CSMKLGTWTY[Asp172=]GSVVAINPES

ClinVar aggregate classification (germline): Likely benign. Review status: criteria provided, multiple submitters, no conflicts (2 of 4 stars). 2 submissions from 2 submitters: Likely benign (2). Last evaluated 2023-02-18.

Conditions:
Lethal multiple pterygium syndrome (LMPS). Identifiers: Orphanet 33108, MedGen C1854678, MONDO:0009668, OMIM 253290.

Allele frequency attached by ClinVar (database versions not stated): ExAC 0.00002; gnomAD exomes 0.00002; gnomAD 0.00003; TOPMed 0.00003.
gnomAD v4.1: 39 of 1,613,696 alleles (0.0024%); highest among the groups gnomAD compares: African/African-American, 0.012%; no homozygotes.

Submissions (2):

Labcorp Genetics (formerly Invitae), Labcorp
Classification: Likely benign for Lethal multiple pterygium syndrome. Last evaluated: 2023-02-18. Review status: criteria provided, single submitter. Criteria: Invitae Variant Classification Sherloc (09022015). Collection method: clinical testing. Allele origin: germline.

CeGaT Center for Human Genetics Tuebingen
Classification: Likely benign. Last evaluated: 2023-02-01. Review status: criteria provided, single submitter. Criteria: CeGaT Center For Human Genetics Tuebingen Variant Classification Criteria Version 2. Collection method: clinical testing. Allele origin: germline. Affected: yes. Observed: 1 variant allele.
Comment: CHRNA1: BP4, BP7